The following is an entry in ClinVar:

NM_152594.3(SPRED1):c.1207C>T (p.Arg403Ter)

Gene: SPRED1 (sprouty related EVH1 domain containing 1; plus strand). Cytogenetic location: 15q14.
Variant type: single nucleotide variant.
Coding change: c.1207C>T on transcript NM_152594.3 (MANE Select); coding-DNA position 1207, C replaced by T.
Protein change: p.Arg403Ter; replaces arginine 403 with a stop codon.
Molecular consequence: nonsense.
Genome position (GRCh38, 1-based): chr15:38,351,536, C>T. VCF-style: chr15-38351536-C-T. GRCh37 (hg19) VCF-style: chr15-38643737-C-T.
Other names: c.1207C>T (NM_152594.2); short protein forms R403*.
Identifiers: ClinVar variation 2193581 (VCV002193581.6), dbSNP rs1201851975, ClinGen allele CA391934560.
Genomic context (GRCh38, chr15:38,351,536, plus strand): 5'-TCAGAGGGAGATTTTTCTGATCCCTGTTCGTGTGACACTAGCGACGACAAGTTCTGCTTG[C>T]GATGGTTAGCCCTGGTAGCTTTGTCTTTCATTGTACCATGTATGTGCTGCTACGTCCCTT-3'

ClinVar aggregate classification (germline): Pathogenic/Likely pathogenic. Review status: criteria provided, multiple submitters, no conflicts (2 of 4 stars). 2 submissions from 2 submitters: Pathogenic (1); Likely pathogenic (1). Last evaluated 2026-10-13.

Conditions:
Legius syndrome. Identifiers: Orphanet 137605, MedGen C1969623, MONDO:0012669, OMIM 611431. Disease mechanism: loss of function.

Allele frequency attached by ClinVar (database versions not stated): gnomAD exomes below 0.00001.

Submissions (2):

GeneDx
Classification: Likely pathogenic. Last evaluated: 2026-10-13. Review status: criteria provided, single submitter. Criteria: GeneDx Variant Classification Process June 2021. Collection method: clinical testing. Allele origin: germline.
Comment: Nonsense variant predicted to result in protein truncation, as the last 42 amino acid(s) are lost, and other loss-of-function variants have been reported downstream in HGMD; Not observed at significant frequency in large population cohorts (gnomAD); Has not been previously published as pathogenic or benign to our knowledge

Labcorp Genetics (formerly Invitae), Labcorp
Classification: Pathogenic for Legius syndrome. Last evaluated: 2025-11-17. Review status: criteria provided, single submitter. Criteria: Invitae Variant Classification Sherloc (09022015). Collection method: clinical testing. Allele origin: germline.
Comment: This sequence change creates a premature translational stop signal (p.Arg403*) in the SPRED1 gene. While this is not anticipated to result in nonsense mediated decay, it is expected to disrupt the last 42 amino acid(s) of the SPRED1 protein. This variant is present in population databases (no rsID available, gnomAD 0.0009%). This variant has not been reported in the literature in individuals affected with SPRED1-related conditions. Invitae Evidence Modeling of clinical and family history, age, sex, and reported ancestry of multiple individuals with this SPRED1 variant has been performed. This variant is expected to be pathogenic with a positive predictive value of at least 99%. This is a validated machine learning model that incorporates the clinical features of 198,265 individuals referred to our laboratory for SPRED1 testing. ClinVar contains an entry for this variant (Variation ID: 2193581). This variant disrupts a region of the SPRED1 protein in which other variant(s) (p.Ile413Cysfs*18) have been determined to be pathogenic (PMID: 19920235; internal data). This suggests that this is a clinically significant region of the protein, and that variants that disrupt it are likely to be disease-causing. For these reasons, this variant has been classified as Pathogenic.

Literature cited by the submitters: PubMed 19920235 (cited by Labcorp Genetics (formerly Invitae), Labcorp).